The following is an entry in ClinVar:

ClinVar aggregate classification (germline): Likely benign (1 of 4 stars; one submission).

Conditions:
OTOF-related disorder. Also called: OTOF-related condition.

gnomAD v4.1: 2 of 1,597,400 alleles (0.00013%); highest among the groups gnomAD compares: Admixed American, 0.0035%; no homozygotes.

Submission:

PreventionGenetics, part of Exact Sciences
Classification: Likely benign for OTOF-related condition. Last evaluated: 2026-07-21. Review status: criteria provided, single submitter. Criteria: ACMG Guidelines, 2015. Collection method: clinical testing. Allele origin: germline.
Comment: This variant is classified as likely benign based on ACMG/AMP sequence variant interpretation guidelines (Richards et al. 2015 PMID: 25741868, with internal and published modifications).

NM_194248.3(OTOF):c.5814-6C>A

Gene: OTOF (otoferlin; minus strand). Cytogenetic location: 2p23.3.
Variant type: single nucleotide variant.
Coding change: c.5814-6C>A on transcript NM_194248.3 (MANE Select); 6 bases into the intron before coding-DNA position 5814, C replaced by A.
Molecular consequence: intron variant.
Genome position (GRCh38, 1-based): chr2:26,460,211, G>T on the plus strand (C>A on the coding strand, the complement: OTOF is on the minus strand). VCF-style: chr2-26460211-G-T. GRCh37 (hg19) VCF-style: chr2-26683079-G-T.
Other names: c.5813+436C>A (NM_001287489.2); c.3512+436C>A (NM_194323.3); c.3513-6C>A (NM_004802.4); c.3744-6C>A (NM_194322.3).
Identifiers: ClinVar variation 4977295 (VCV004977295.1).